The following is an entry in ClinVar:

NM_025136.4(OPA3):c.217dup (p.Glu73fs)

Genes: OPA3 (outer mitochondrial membrane lipid metabolism regulator OPA3; minus strand), OPA3-RTN2 (OPA3-RTN2 readthrough; minus strand). Cytogenetic location: 19q13.32.
Variant type: Duplication.
Coding change: c.217dup on transcript NM_025136.4 (MANE Select); coding-DNA position 217, one base duplicated (G; older notation c.217dupG).
Protein change: p.Glu73fs; shifts the reading frame from glutamic acid 73.
Molecular consequence: frameshift variant. On other transcripts: intron variant (1).
Genome position (GRCh38, 1-based): chr19:45,553,837, C duplicated on the plus strand (G on the coding strand, the reverse complement: OPA3 is on the minus strand). VCF-style (leftmost placement, unchanged base first): chr19-45553836-T-TC. GRCh37 (hg19) VCF-style: chr19-46057094-T-TC.
Other names: c.143-24381dup (NM_001017989.3); c.217dupG (NM_025136.3); c.217dup (NM_025136.3); short protein forms E73fs.
Identifiers: ClinVar variation 554806 (VCV000554806.5), dbSNP rs1555732963, ClinGen allele CA658825088.

ClinVar aggregate classification (germline): Conflicting classifications of pathogenicity. Review status: criteria provided, conflicting classifications (1 of 4 stars). 4 submissions from 4 submitters: Likely pathogenic (2); Uncertain significance (1). 1 of the submissions does not count toward it. Last evaluated 2025-08-28.

Conditions:
3-Methylglutaconic aciduria type 3 (MGCA3). Also called: Costeff Syndrome; OPA3, AUTOSOMAL RECESSIVE; OPTIC ATROPHY 3, AUTOSOMAL RECESSIVE; OPA3-Related 3-Methylglutaconic Aciduria. Identifiers: Orphanet 67047, MedGen C0574084, MONDO:0009787, OMIM 258501.
Optic atrophy 3 (OPA3). Also called: Optic atrophy, cataract, and neurologic disorder; OPTIC ATROPHY 3, AUTOSOMAL DOMINANT; Optic atrophy 3 with cataract. Identifiers: Orphanet 67036, MedGen C1833809, MONDO:0008133, OMIM 165300.

Submissions (4):

Natera, Inc.
Classification: Likely pathogenic for 3-methylglutaconic aciduria type 3. Last evaluated: 2025-08-28. Review status: criteria provided, single submitter. Criteria: Natera Variant Classification Schema (03/2026). Collection method: clinical testing. Allele origin: germline.
Comment: The c.217dup variant in OPA3 is a frameshift variant predicted to shift the reading frame beginning at codon 73 and leads to a stop codon 6 codons downstream. This variant is expected to result in nonsense mediated decay, truncation, or a dysfunctional protein product. This variant is rare in the general population with a frequency below the threshold expected for the associated phenotype(s). Given the available evidence, this variant is classified as Likely Pathogenic.

Baylor Genetics
Classification: Likely pathogenic for 3-Methylglutaconic aciduria type 3. Last evaluated: 2024-03-10. Review status: criteria provided, single submitter. Criteria: ACMG Guidelines, 2015. Collection method: clinical testing. Allele origin: unknown.

Labcorp Genetics (formerly Invitae), Labcorp
Classification: Uncertain significance for 3-Methylglutaconic aciduria type 3; Optic atrophy 3. Last evaluated: 2022-09-13. Review status: criteria provided, single submitter. Criteria: Invitae Variant Classification Sherloc (09022015). Collection method: clinical testing. Allele origin: germline.
Comment: This sequence change creates a premature translational stop signal (p.Glu73Glyfs*6) in the OPA3 gene. While this is not anticipated to result in nonsense mediated decay, it is expected to disrupt the last 107 amino acid(s) of the OPA3 protein. This variant is not present in population databases (gnomAD no frequency). This variant has not been reported in the literature in individuals affected with OPA3-related conditions. ClinVar contains an entry for this variant (Variation ID: 554806). Experimental studies and prediction algorithms are not available or were not evaluated, and the functional significance of this variant is currently unknown. This variant disrupts the C-terminus of the OPA3 protein. Other variant(s) that disrupt this region (p.Gln139*) have been observed in individuals with OPA3-related conditions (PMID: 18985435). This suggests that this may be a clinically significant region of the protein. In summary, the available evidence is currently insufficient to determine the role of this variant in disease. Therefore, it has been classified as a Variant of Uncertain Significance.

Counsyl
Classification: Likely pathogenic for 3-Methylglutaconic aciduria type 3. Last evaluated: 2017-11-03. Review status: no assertion criteria provided. Collection method: clinical testing. Allele origin: unknown. Not counted in ClinVar's aggregate classification.

Literature cited by the submitters: PubMed 18985435 (cited by Labcorp Genetics (formerly Invitae), Labcorp); PubMed 20350831 (cited by Counsyl).